The following is an entry in ClinVar:

ClinVar aggregate classification (germline): Uncertain significance (1 of 4 stars; one submission).

Conditions:
Neuropathy, hereditary sensory, type 2C. Also called: Hereditary sensory and autonomic neuropathy type IIC; KIF1A-Related HSAN2 (HSAN2C). Identifiers: Orphanet 970, MedGen C3280168, MONDO:0013634, OMIM 614213.
Intellectual disability, autosomal dominant 9 (NESCAVS). Also called: KIF1A-Related Neurodevelopmental Disorder; NESCAV SYNDROME. Identifiers: Orphanet 662367, MedGen C5393830, MONDO:0013656, OMIM 614255.
Hereditary spastic paraplegia 30. Identifiers: Orphanet 101010, MedGen C5235139, MONDO:0012476.

Allele frequency attached by ClinVar (database versions not stated): gnomAD exomes 0.00001; gnomAD 0.00002 and 0.00003; TOPMed 0.00004; ExAC 0.00001.
gnomAD v4.1: 12 of 1,607,550 alleles (0.00075%); highest among the groups gnomAD compares: East Asian, 0.025%; no homozygotes.

Submission:

Labcorp Genetics (formerly Invitae), Labcorp
Classification: Uncertain significance for Hereditary spastic paraplegia 30; Neuropathy, hereditary sensory, type 2C; Intellectual disability, autosomal dominant 9. Last evaluated: 2024-05-20. Review status: criteria provided, single submitter. Criteria: Invitae Variant Classification Sherloc (09022015). Collection method: clinical testing. Allele origin: germline.
Comment: This sequence change affects codon 465 of the KIF1A mRNA. It is a 'silent' change, meaning that it does not change the encoded amino acid sequence of the KIF1A protein. It affects a nucleotide within the consensus splice site. The frequency data for this variant in the population databases is considered unreliable, as metrics indicate poor data quality at this position in the gnomAD database. This variant has not been reported in the literature in individuals affected with KIF1A-related conditions. ClinVar contains an entry for this variant (Variation ID: 952369). Algorithms developed to predict the effect of sequence changes on RNA splicing suggest that this variant is not likely to affect RNA splicing. In summary, the available evidence is currently insufficient to determine the role of this variant in disease. Therefore, it has been classified as a Variant of Uncertain Significance.

NM_001244008.2(KIF1A):c.1422G>A (p.Arg474=)

Gene: KIF1A (kinesin family member 1A; minus strand). Cytogenetic location: 2q37.3.
Variant type: single nucleotide variant.
Coding change: c.1422G>A on transcript NM_001244008.2 (MANE Select); coding-DNA position 1422, G replaced by A.
Protein change: p.Arg474=; no amino-acid change (arginine 474 retained).
Molecular consequence: synonymous variant.
Genome position (GRCh38, 1-based): chr2:240,769,208, C>T on the plus strand (G>A on the coding strand, the complement: KIF1A is on the minus strand). VCF-style: chr2-240769208-C-T. GRCh37 (hg19) VCF-style: chr2-241708625-C-T.
Other names: c.1422G>A, p.Arg474= (NM_001320705.2, NM_001330289.2, NM_001379638.1); c.1497G>A, p.Arg499= (NM_001330290.2, NM_001379631.1, NM_001379634.1 and 2 more transcripts); c.1395G>A, p.Arg465= (NM_001379632.1, NM_001379633.1, NM_001379636.1 and 10 more transcripts); c.1470G>A, p.Arg490= (NM_001379637.1, NM_001379648.1).
Identifiers: ClinVar variation 952369 (VCV000952369.10), dbSNP rs763602734, ClinGen allele CA2208394.
Genomic context (GRCh38, chr2:240,769,208, plus strand): 5'-TACGCCCAAGGTGCCGCCATCCTCCCTCATGGCCACACCCATCTCGGCCAGCAGGGCTTC[C>T]CTGGGGGAACAGAGCTGAGGTCAGCACAAGCTCCACAAGGCTTCCAGCACTGGCCTCAGC-3'
Protein context (NP_001230937.1, residues 464-484): LRRTEAIRME[Arg474=]EALLAEMGVA